The following is an entry in ClinVar:

NM_001330195.2(NRXN3):c.4094-267C>G

Gene: NRXN3 (neurexin 3; plus strand). Cytogenetic location: 14q31.1.
Variant type: single nucleotide variant.
Coding change: c.4094-267C>G on transcript NM_001330195.2 (MANE Select); 267 bases into the intron before coding-DNA position 4094, C replaced by G.
Molecular consequence: intron variant. On other transcripts: missense variant (1), non-coding transcript variant (5).
Genome position (GRCh38, 1-based): chr14:79,861,075, C>G. VCF-style: chr14-79861075-C-G. GRCh37 (hg19) VCF-style: chr14-80327418-C-G.
Other names: c.1025C>G, p.Pro342Arg (NM_001272020.2); c.4106-588C>G (NM_001366426.1); c.4004-267C>G (NM_001366425.1); c.2885-588C>G (NM_004796.6); c.1079-588C>G (NM_001105250.3); c.998-588C>G (NM_138970.5); short protein forms P342R.
Identifiers: ClinVar variation 4997265 (VCV004997265.1).

ClinVar aggregate classification (germline): Uncertain significance (1 of 4 stars; one submission).

Conditions:
NRXN3-related disorder. Also called: NRXN3-related condition.

Submission:

PreventionGenetics, part of Exact Sciences
Classification: Uncertain significance for NRXN3-related condition. Last evaluated: 2025-02-27. Review status: criteria provided, single submitter. Criteria: ACMG Guidelines, 2015. Collection method: clinical testing. Allele origin: germline.
Comment: The NRXN3 c.1025C>G variant is predicted to result in the amino acid substitution p.Pro342Arg. To our knowledge, this variant has not been reported in the literature or in a large population database (gnomAD), indicating this variant is rare. At this time, the clinical significance of this variant is uncertain due to the absence of conclusive functional and genetic evidence.